The following is an entry in ClinVar:

ClinVar aggregate classification (germline): Conflicting classifications of pathogenicity. Review status: criteria provided, conflicting classifications (1 of 4 stars). 2 submissions from 2 submitters: Uncertain significance (1); Likely benign (1). Last evaluated 2023-03-17.

Submissions (2):

GeneDx
Classification: Uncertain significance. Last evaluated: 2023-03-17. Review status: criteria provided, single submitter. Criteria: GeneDx Variant Classification Process June 2021. Collection method: clinical testing. Allele origin: germline. Affected: yes.
Comment: Not observed at significant frequency in large population cohorts (gnomAD); In silico analysis supports that this variant does not alter splicing; Has not been previously published as pathogenic or benign to our knowledge

Labcorp Genetics (formerly Invitae), Labcorp
Classification: Likely benign. Last evaluated: 2019-05-08. Review status: criteria provided, single submitter. Criteria: Invitae Variant Classification Sherloc (09022015). Collection method: clinical testing. Allele origin: germline.

NM_000092.5(COL4A4):c.879T>A (p.Ser293=)

Gene: COL4A4 (collagen type IV alpha 4 chain; minus strand). Cytogenetic location: 2q36.3.
Variant type: single nucleotide variant.
Coding change: c.879T>A on transcript NM_000092.5 (MANE Select); coding-DNA position 879, T replaced by A.
Protein change: p.Ser293=; no amino-acid change (serine 293 retained).
Molecular consequence: synonymous variant.
Genome position (GRCh38, 1-based): chr2:227,102,840, A>T on the plus strand (T>A on the coding strand, the complement: COL4A4 is on the minus strand). VCF-style: chr2-227102840-A-T. GRCh37 (hg19) VCF-style: chr2-227967556-A-T.
Other names: c.879T>A (NM_000092.4).
Identifiers: ClinVar variation 1089835 (VCV001089835.9), dbSNP rs2150788345, ClinGen allele CA431501167.
Genomic context (GRCh38, chr2:227,102,840, plus strand): 5'-GATGCTTACCCGAGGCCCTGGAAATCCAGGAATACCTTTTTCTCCTTTTGCCCCAATACC[A>T]GATTCTCCCTTTAAGAGATGACAACATTTAGAGGGGTTCAAGCAACAATATTTCAGCAAT-3'
Protein context (NP_000083.3, residues 283-303): LPGPPGRKGE[Ser293=]GIGAKGEKGI